The following is an entry in ClinVar:

NM_001267550.2(TTN):c.1483A>G (p.Thr495Ala)

Gene: TTN (titin; minus strand). Cytogenetic location: 2q31.2.
Variant type: single nucleotide variant.
Coding change: c.1483A>G on transcript NM_001267550.2 (MANE Select); coding-DNA position 1483, A replaced by G.
Protein change: p.Thr495Ala; replaces threonine 495 with alanine.
Molecular consequence: missense variant.
Genome position (GRCh38, 1-based): chr2:178,793,457, T>C on the plus strand (A>G on the coding strand, the complement: TTN is on the minus strand). VCF-style: chr2-178793457-T-C. GRCh37 (hg19) VCF-style: chr2-179658184-T-C.
Other names: c.1483A>G, p.Thr495Ala (NM_001256850.1, NM_003319.4, NM_133378.4 and 3 more transcripts); short protein forms T495A.
Identifiers: ClinVar variation 1695691 (VCV001695691.2), dbSNP rs2154355408, ClinGen allele CA349513043.
Genomic context (GRCh38, chr2:178,793,457, plus strand): 5'-TTTTCACCTGCTCATGAGTTACGTGCATCTGCTCTTGCTTTGTGGTAATTACTTCTTTGG[T>C]TCTTGATTTTAATTCTTGTTCCTTGGCTTTATCGGCGGCCACTACTACCTTAGTTACAGC-3'
Protein context (NP_001254479.2, residues 485-505): KAKEQELKSR[Thr495Ala]KEVITTKQEQ

ClinVar aggregate classification (germline): Uncertain significance (1 of 4 stars; one submission).

Submission:

GeneDx
Classification: Uncertain significance. Last evaluated: 2022-01-04. Review status: criteria provided, single submitter. Criteria: GeneDx Variant Classification Process June 2021. Collection method: clinical testing. Allele origin: germline. Affected: yes.
Comment: Not observed at significant frequency in large population cohorts (gnomAD); Missense variant in a gene in which most reported pathogenic variants are truncating/loss-of-function; Has not been previously published as pathogenic or benign to our knowledge